The following is an entry in ClinVar:

NM_000263.4(NAGLU):c.1694G>C (p.Arg565Pro)

Gene: NAGLU (N-acetyl-alpha-glucosaminidase; plus strand). Cytogenetic location: 17q21.2.
Variant type: single nucleotide variant.
Coding change: c.1694G>C on transcript NM_000263.4 (MANE Select); coding-DNA position 1694, G replaced by C.
Protein change: p.Arg565Pro; replaces arginine 565 with proline.
Molecular consequence: missense variant.
Genome position (GRCh38, 1-based): chr17:42,543,700, G>C. VCF-style: chr17-42543700-G-C. GRCh37 (hg19) VCF-style: chr17-40695718-G-C.
Other names: short protein forms R565P.
Identifiers: ClinVar variation 1568 (VCV000001568.16), dbSNP rs104894598, ClinGen allele CA115051.

ClinVar aggregate classification (germline): Pathogenic/Likely pathogenic. Review status: criteria provided, multiple submitters, no conflicts (2 of 4 stars). 6 submissions from 6 submitters: Pathogenic (4); Likely pathogenic (1). 1 of the submissions does not count toward it. Last evaluated 2024-05-01.

Conditions:
Charcot-Marie-Tooth disease axonal type 2V. Also called: CHARCOT-MARIE-TOOTH NEUROPATHY, TYPE 2V; CHARCOT-MARIE-TOOTH DISEASE, AXONAL, AUTOSOMAL DOMINANT, TYPE 2V. Identifiers: Orphanet 447964, MedGen C5569050, MONDO:0014665, OMIM 616491.
Mucopolysaccharidosis, MPS-III-B (MPS3B). Also called: MPS III B; Mucopolysaccharidosis type IIIB (Sanfilippo B); SANFILIPPO SYNDROME B; MUCOPOLYSACCHARIDOSIS, TYPE IIIB; MPS IIIB (Sanfilippo Syndrome Type B); N-ACETYL-ALPHA-D-GLUCOSAMINIDASE DEFICIENCY. Identifiers: Orphanet 79270, MedGen C0086648, MONDO:0009656, OMIM 252920.

gnomAD v4.1: 2 of 1,612,526 alleles (0.00012%); highest among the groups gnomAD compares: East Asian, 0.0045%; no homozygotes.

Submissions (6):

Natera, Inc.
Classification: Pathogenic for Mucopolysaccharidosis type IIIB. Last evaluated: 2024-05-01. Review status: criteria provided, single submitter. Criteria: Natera Variant Classification Schema (03/2026). Collection method: clinical testing. Allele origin: germline.
Comment: The c.1694G>C variant in NAGLU is a missense variant predicted to cause substitution of arginine to proline at amino acid 565. This variant is rare in the general population with a frequency below the threshold expected for the associated phenotype(s). This variant has been observed in one or more individuals affected with the associated recessive disease, as either homozygous or compound heterozygous with a second variant (PMID: 12202988, 15933803). Given the available evidence, this variant is classified as Pathogenic.

Labcorp Genetics (formerly Invitae), Labcorp
Classification: Pathogenic for Charcot-Marie-Tooth disease axonal type 2V; Mucopolysaccharidosis, MPS-III-B. Last evaluated: 2023-07-09. Review status: criteria provided, single submitter. Criteria: Invitae Variant Classification Sherloc (09022015). Collection method: clinical testing. Allele origin: germline.
Comment: ClinVar contains an entry for this variant (Variation ID: 1568). For these reasons, this variant has been classified as Pathogenic. This variant disrupts the p.Arg565 amino acid residue in NAGLU. Other variant(s) that disrupt this residue have been determined to be pathogenic (PMID: 9950362, 20852935, 23380547, 28751108). This suggests that this residue is clinically significant, and that variants that disrupt this residue are likely to be disease-causing. Advanced modeling of protein sequence and biophysical properties (such as structural, functional, and spatial information, amino acid conservation, physicochemical variation, residue mobility, and thermodynamic stability) performed at Invitae indicates that this missense variant is expected to disrupt NAGLU protein function. This missense change has been observed in individual(s) with mucopolysaccharidosis type IIIB (PMID: 10094189, 15933803). This variant is not present in population databases (gnomAD no frequency). This sequence change replaces arginine, which is basic and polar, with proline, which is neutral and non-polar, at codon 565 of the NAGLU protein (p.Arg565Pro).

3billion
Classification: Pathogenic for Mucopolysaccharidosis, MPS-III-B. Last evaluated: 2021-10-02. Review status: criteria provided, single submitter. Criteria: ACMG Guidelines, 2015. Collection method: clinical testing. Allele origin: maternal. Affected: yes. Observed: 1 heterozygote.
Comment: Same nucleotide change resulting in same amino acid change has been previously reported as pathogenic/likely pathogeic with strong evidence (ClinVar ID: VCV000001568.3, PMID: 15933803, PS1). It is not observed in the gnomAD v2.1.1 dataset (PM2). The variant was observed in trans with a pathogenic variant (NM_000263.3:c.1444C>T) as compound heterozygous (3billion dataset, PM3). A different missense change at the same codon (p.Arg565Leu, p.Arg565Trp, p.Arg565Gln) has been reported as pathogenic/likely pathogenic with strong evidence (ClinVar ID: VCV000557013.3, VCV000001567.9 and VCV000030795.11, PM5). In silico tool predictions suggest damaging effect of the variant on gene or gene product (REVEL: 0.989, 3Cnet: 0.976, PP3). Patient's phenotype is considered compatible with Mucopolysaccharidosis type IIIB (3billion dataset, PP4).Therefore, this variant is classified as pathogenic according to the recommendation of ACMG/AMP guideline.

Women's Health and Genetics/Laboratory Corporation of America, LabCorp
Classification: Pathogenic for Mucopolysaccharidosis, MPS-III-B. Last evaluated: 2019-08-18. Review status: criteria provided, single submitter. Criteria: LabCorp Variant Classification Summary - May 2015. Collection method: clinical testing. Allele origin: germline.
Comment: Variant summary: NAGLU c.1694G>C (p.Arg565Pro) results in a non-conservative amino acid change located in the Alpha-N-acetylglucosaminidase, C-terminal domain (IPR024732) of the encoded protein sequence. Five of five in-silico tools predict a damaging effect of the variant on protein function. The variant was absent in 248730 control chromosomes. c.1694G>C has been reported in the literature in multiple individuals affected with Mucopolysaccharidosis Type IIIB (Sanfilippo Syndrome B) (Weber_1999, Chinen_2005). These data indicate that the variant is very likely to be associated with disease. At least one publication reports experimental evidence evaluating an impact on protein function. The most pronounced variant effect results in <10% of normal activity in homozygous individuals (Chinen_2005). One clinical diagnostic laboratory has submitted clinical-significance assessments for this variant to ClinVar after 2014 without evidence for independent evaluation and classified the variant as likely pathogenic citing only Weber_1999. Based on the evidence outlined above, the variant was classified as pathogenic.

Soonchunhyang University Bucheon Hospital, Soonchunhyang University Medical Center
Classification: Likely pathogenic for Mucopolysaccharidosis, MPS-III-B. Last evaluated: 2016-03-18. Review status: criteria provided, single submitter. Criteria: ACMG Guidelines, 2015. Collection method: reference population. Allele origin: germline. Observed: 1 variant allele.

OMIM
Classification: Pathogenic for MUCOPOLYSACCHARIDOSIS, TYPE IIIB. Last evaluated: 2005-01-01. Review status: no assertion criteria provided. Collection method: literature only. Allele origin: germline. Not counted in ClinVar's aggregate classification.

Literature cited by the submitters: PubMed 12202988 (cited by Natera, Inc. and OMIM); PubMed 15933803 (cited by 5 submitters); PubMed 9950362 (cited by Labcorp Genetics (formerly Invitae), Labcorp); PubMed 20852935 (cited by Labcorp Genetics (formerly Invitae), Labcorp); PubMed 23380547 (cited by Labcorp Genetics (formerly Invitae), Labcorp); PubMed 28751108 (cited by Labcorp Genetics (formerly Invitae), Labcorp); PubMed 10094189 (cited by 4 submitters).